The following is an entry in ClinVar:

NM_015046.7(SETX):c.6676G>C (p.Asp2226His)

Gene: SETX (senataxin; minus strand). Cytogenetic location: 9q34.13.
Variant type: single nucleotide variant.
Coding change: c.6676G>C on transcript NM_015046.7 (MANE Select); coding-DNA position 6676, G replaced by C.
Protein change: p.Asp2226His; replaces aspartic acid 2226 with histidine.
Molecular consequence: missense variant.
Genome position (GRCh38, 1-based): chr9:132,278,236, C>G on the plus strand (G>C on the coding strand, the complement: SETX is on the minus strand). VCF-style: chr9-132278236-C-G. GRCh37 (hg19) VCF-style: chr9-135153623-C-G.
Other names: c.6676G>C, p.Asp2226His (NM_001351527.2, NM_001351528.2); short protein forms D2226H.
Identifiers: ClinVar variation 4864361 (VCV004864361.1).

ClinVar aggregate classification (germline): Uncertain significance (1 of 4 stars; one submission).

Conditions:
Inborn genetic diseases. Identifiers: MedGen C0950123, MeSH D030342.

Submission:

Ambry Genetics
Classification: Uncertain significance for Inborn genetic diseases. Last evaluated: 2026-04-01. Review status: criteria provided, single submitter. Criteria: Ambry Variant Classification Scheme 2023. Collection method: clinical testing. Allele origin: germline.
Comment: The c.6676G>C (p.D2226H) alteration is located in exon 21 (coding exon 19) of the SETX gene. This alteration results from a G to C substitution at nucleotide position 6676, causing the aspartic acid (D) at amino acid position 2226 to be replaced by a histidine (H). Based on data from gnomAD, the C allele has an overall frequency of <0.001% (1/251430) total alleles studied. The highest observed frequency was 0.005% (1/18394) of East Asian alleles. Based on insufficient or conflicting evidence, the clinical significance of this alteration remains unclear.